The following is an entry in ClinVar:

NM_000122.2(ERCC3):c.1274G>A (p.Arg425Gln)

Gene: ERCC3 (ERCC excision repair 3, TFIIH core complex helicase subunit; minus strand). Cytogenetic location: 2q14.3.
Variant type: single nucleotide variant.
Coding change: c.1274G>A on transcript NM_000122.2 (MANE Select); coding-DNA position 1274, G replaced by A.
Protein change: p.Arg425Gln; replaces arginine 425 with glutamine.
Molecular consequence: missense variant.
Genome position (GRCh38, 1-based): chr2:127,286,771, C>T on the plus strand (G>A on the coding strand, the complement: ERCC3 is on the minus strand). VCF-style: chr2-127286771-C-T. GRCh37 (hg19) VCF-style: chr2-128044347-C-T.
Other names: c.1082G>A, p.Arg361Gln (NM_001303416.2, NM_001303418.2); short protein forms R361Q, R425Q.
Identifiers: ClinVar variation 2160618 (VCV002160618.4), dbSNP rs767573920, ClinGen allele CA1858321.

ClinVar aggregate classification (germline): Uncertain significance (1 of 4 stars; one submission).

Allele frequency attached by ClinVar (database versions not stated): gnomAD exomes below 0.00001; ExAC 0.00001.
gnomAD v4.1: 5 of 1,614,162 alleles (0.00031%); highest among the groups gnomAD compares: South Asian, 0.0022%; no homozygotes.

Submission:

Labcorp Genetics (formerly Invitae), Labcorp
Classification: Uncertain significance. Last evaluated: 2024-10-29. Review status: criteria provided, single submitter. Criteria: Invitae Variant Classification Sherloc (09022015). Collection method: clinical testing. Allele origin: germline.
Comment: This sequence change replaces arginine, which is basic and polar, with glutamine, which is neutral and polar, at codon 425 of the ERCC3 protein (p.Arg425Gln). This variant is present in population databases (rs767573920, gnomAD 0.003%). This variant has not been reported in the literature in individuals affected with ERCC3-related conditions. ClinVar contains an entry for this variant (Variation ID: 2160618). Invitae Evidence Modeling of protein sequence and biophysical properties (such as structural, functional, and spatial information, amino acid conservation, physicochemical variation, residue mobility, and thermodynamic stability) indicates that this missense variant is not expected to disrupt ERCC3 protein function with a negative predictive value of 80%. In summary, the available evidence is currently insufficient to determine the role of this variant in disease. Therefore, it has been classified as a Variant of Uncertain Significance.